The following is an entry in ClinVar:

ClinVar aggregate classification (germline): Conflicting classifications of pathogenicity. Review status: criteria provided, conflicting classifications (1 of 4 stars). 4 submissions from 4 submitters: Uncertain significance (3); Likely benign (1). Last evaluated 2024-11-05.

Conditions:
Inborn genetic diseases. Identifiers: MedGen C0950123, MeSH D030342.
Microcephaly 9, primary, autosomal recessive. Identifiers: Orphanet 2512, MedGen C3553886, MONDO:0013923, OMIM 614852.

Allele frequency attached by ClinVar (database versions not stated): ExAC 0.00005; gnomAD exomes 0.00006; ESP Exome Variant Server 0.00008; gnomAD 0.00011 and 0.00013; TOPMed 0.00013.

Submissions (4):

Blueprint Genetics
Classification: Likely benign. Last evaluated: 2024-11-05. Review status: criteria provided, single submitter. Criteria: ACMG Guidelines, 2015. Collection method: clinical testing. Allele origin: germline.

Labcorp Genetics (formerly Invitae), Labcorp
Classification: Uncertain significance. Last evaluated: 2022-07-16. Review status: criteria provided, single submitter. Criteria: Invitae Variant Classification Sherloc (09022015). Collection method: clinical testing. Allele origin: germline.
Comment: This sequence change replaces methionine, which is neutral and non-polar, with valine, which is neutral and non-polar, at codon 1029 of the CEP152 protein (p.Met1029Val). This variant is present in population databases (rs201172776, gnomAD 0.01%). This variant has not been reported in the literature in individuals affected with CEP152-related conditions. ClinVar contains an entry for this variant (Variation ID: 158251). Algorithms developed to predict the effect of missense changes on protein structure and function output the following: SIFT: "Tolerated"; PolyPhen-2: "Benign"; Align-GVGD: "Class C0". The valine amino acid residue is found in multiple mammalian species, which suggests that this missense change does not adversely affect protein function. In summary, the available evidence is currently insufficient to determine the role of this variant in disease. Therefore, it has been classified as a Variant of Uncertain Significance.

Ambry Genetics
Classification: Uncertain significance for Inborn genetic diseases. Last evaluated: 2021-09-16. Review status: criteria provided, single submitter. Criteria: Ambry Variant Classification Scheme 2023. Collection method: clinical testing. Allele origin: germline.

Genetic Services Laboratory, University of Chicago
Classification: Uncertain significance for Microcephaly 9, primary, autosomal recessive. Last evaluated: 2014-01-28. Review status: criteria provided, single submitter. Criteria: ACMG Guidelines, 2007. Collection method: clinical testing. Allele origin: germline. Inheritance: Autosomal recessive inheritance.

NM_001194998.2(CEP152):c.3085A>G (p.Met1029Val)

Gene: CEP152 (centrosomal protein 152; minus strand). Cytogenetic location: 15q21.1.
Variant type: single nucleotide variant.
Coding change: c.3085A>G on transcript NM_001194998.2 (MANE Select); coding-DNA position 3085, A replaced by G.
Protein change: p.Met1029Val; replaces methionine 1029 with valine.
Molecular consequence: missense variant.
Genome position (GRCh38, 1-based): chr15:48,756,163, T>C on the plus strand (A>G on the coding strand, the complement: CEP152 is on the minus strand). VCF-style: chr15-48756163-T-C. GRCh37 (hg19) VCF-style: chr15-49048360-T-C.
Other names: c.3085A>G, p.Met1029Val (NM_014985.4); short protein forms M1029V.
Identifiers: ClinVar variation 158251 (VCV000158251.12), dbSNP rs201172776, ClinGen allele CA211051.